The following is an entry in ClinVar:

NM_001145252.3(CFP):c.61A>G (p.Thr21Ala)

Gene: CFP (complement factor properdin; minus strand). Cytogenetic location: Xp11.23.
Variant type: single nucleotide variant.
Coding change: c.61A>G on transcript NM_001145252.3 (MANE Select); coding-DNA position 61, A replaced by G.
Protein change: p.Thr21Ala; replaces threonine 21 with alanine.
Molecular consequence: missense variant.
Genome position (GRCh38, 1-based): chrX:47,629,784, T>C on the plus strand (A>G on the coding strand, the complement: CFP is on the minus strand). VCF-style: chrX-47629784-T-C. GRCh37 (hg19) VCF-style: chrX-47489183-T-C.
Other names: c.61A>G, p.Thr21Ala (NM_002621.2); short protein forms T21A.
Identifiers: ClinVar variation 4724302 (VCV004724302.1).
Genomic context (GRCh38, chrX:47,629,784, plus strand): 5'-TGGGCCTGGACACCCCTGGGGCCAGCTGGGCCCTCACCCCCTCACCTGTGGCTGGCAGGG[T>C]GAGCAGCAGGAGCAGCGGCGGCAGCAACAATCGAGGGGCCTGCGCTCCCTCTGTGATCAT-3'
Protein context (NP_001138724.1, residues 11-31): LLLPPLLLLL[Thr21Ala]LPATGSDPVL

ClinVar aggregate classification (germline): Uncertain significance (1 of 4 stars; one submission).

Submission:

Labcorp Genetics (formerly Invitae), Labcorp
Classification: Uncertain significance. Last evaluated: 2025-07-29. Review status: criteria provided, single submitter. Criteria: Invitae Variant Classification Sherloc (09022015). Collection method: clinical testing. Allele origin: germline.
Comment: This sequence change replaces threonine, which is neutral and polar, with alanine, which is neutral and non-polar, at codon 21 of the CFP protein (p.Thr21Ala). This variant is not present in population databases (gnomAD no frequency). This variant has not been reported in the literature in individuals affected with CFP-related conditions. An algorithm developed to predict the effect of missense changes on protein structure and function (PolyPhen-2) suggests that this variant is likely to be disruptive. In summary, the available evidence is currently insufficient to determine the role of this variant in disease. Therefore, it has been classified as a Variant of Uncertain Significance.